The following is an entry in ClinVar:

NM_001114753.3(ENG):c.28G>A (p.Val10Ile)

Gene: ENG (endoglin; minus strand). Cytogenetic location: 9q34.11.
Variant type: single nucleotide variant.
Coding change: c.28G>A on transcript NM_001114753.3 (MANE Select); coding-DNA position 28, G replaced by A.
Protein change: p.Val10Ile; replaces valine 10 with isoleucine.
Molecular consequence: missense variant.
Genome position (GRCh38, 1-based): chr9:127,854,328, C>T on the plus strand (G>A on the coding strand, the complement: ENG is on the minus strand). VCF-style: chr9-127854328-C-T. GRCh37 (hg19) VCF-style: chr9-130616607-C-T.
Other names: c.28G>A, p.Val10Ile (NM_000118.4, NM_001406715.1); c.28G>A (NM_001114753.1); short protein forms V10I.
Identifiers: ClinVar variation 1352678 (VCV001352678.10), dbSNP rs1829096799, ClinGen allele CA374989628.
Genomic context (GRCh38, chr9:127,854,328, plus strand): 5'-CCTGGGTCCCTGGACACCTACTTGTGGGGCTGAGGCTGCAGCTGGCCAGCAGCAGGGCAA[C>T]AGCCAGAGGGAGCGTGCCGCGGTCCATGCTGTCCACGTGGGGGCCTGTGCGCTGGGCCTT-3'
Protein context (NP_001108225.1, residues 1-20): MDRGTLPLA[Val10Ile]ALLLASCSLS

ClinVar aggregate classification (germline): Uncertain significance. Review status: criteria provided, multiple submitters, no conflicts (2 of 4 stars). 2 submissions from 2 submitters: Uncertain significance (2). Last evaluated 2026-01-02.

Conditions:
Hereditary hemorrhagic telangiectasia (HHT). Also called: ORW DISEASE; Osler Weber Rendu syndrome; OSLER-RENDU-WEBER DISEASE; Osler hemorrhagic telangiectasia syndrome. Identifiers: Orphanet 774, MedGen C0039445, MONDO:0019180. Disease mechanism: loss of function.
Cardiovascular phenotype. Identifiers: MedGen CN230736.

Allele frequency attached by ClinVar (database versions not stated): gnomAD 0.00001; TOPMed 0.00001.

Submissions (2):

Ambry Genetics
Classification: Uncertain significance for Cardiovascular phenotype. Last evaluated: 2026-01-02. Review status: criteria provided, single submitter. Criteria: Ambry Variant Classification Scheme 2023. Collection method: clinical testing. Allele origin: germline.
Comment: The p.V10I variant (also known as c.28G>A), located in coding exon 1 of the ENG gene, results from a G to A substitution at nucleotide position 28. The valine at codon 10 is replaced by isoleucine, an amino acid with highly similar properties. This amino acid position is conserved. In addition, this alteration is predicted to be tolerated by in silico analysis. Based on the available evidence, the clinical significance of this variant remains unclear.

Labcorp Genetics (formerly Invitae), Labcorp
Classification: Uncertain significance for Hereditary hemorrhagic telangiectasia. Last evaluated: 2020-11-06. Review status: criteria provided, single submitter. Criteria: Invitae Variant Classification Sherloc (09022015). Collection method: clinical testing. Allele origin: germline.
Comment: This sequence change replaces valine with isoleucine at codon 10 of the ENG protein (p.Val10Ile). The valine residue is weakly conserved and there is a small physicochemical difference between valine and isoleucine. In summary, the available evidence is currently insufficient to determine the role of this variant in disease. Therefore, it has been classified as a Variant of Uncertain Significance. Algorithms developed to predict the effect of missense changes on protein structure and function output the following: SIFT: "Tolerated"; PolyPhen-2: "Benign"; Align-GVGD: "Class C0". The isoleucine amino acid residue is found in multiple mammalian species, suggesting that this missense change does not adversely affect protein function. These predictions have not been confirmed by published functional studies and their clinical significance is uncertain. This variant has not been reported in the literature in individuals with ENG-related conditions. This variant is not present in population databases (ExAC no frequency).